The following is an entry in ClinVar:

NM_001385012.1(NBEA):c.6271G>A (p.Ala2091Thr)

Gene: NBEA (neurobeachin; plus strand). Cytogenetic location: 13q13.3.
Variant type: single nucleotide variant.
Coding change: c.6271G>A on transcript NM_001385012.1 (MANE Select); coding-DNA position 6271, G replaced by A.
Protein change: p.Ala2091Thr; replaces alanine 2091 with threonine.
Molecular consequence: missense variant.
Genome position (GRCh38, 1-based): chr13:35,432,360, G>A. VCF-style: chr13-35432360-G-A. GRCh37 (hg19) VCF-style: chr13-36006497-G-A.
Other names: c.6262G>A, p.Ala2088Thr (NM_001379245.1); c.6271G>A, p.Ala2091Thr (NM_015678.5); short protein forms A2088T, A2091T.
Identifiers: ClinVar variation 1318775 (VCV001318775.2), dbSNP rs2152930945, ClinGen allele CA387981092.

ClinVar aggregate classification (germline): Uncertain significance (1 of 4 stars; one submission).

Submission:

GeneDx
Classification: Uncertain significance. Last evaluated: 2020-01-27. Review status: criteria provided, single submitter. Criteria: GeneDx Variant Classification Process June 2021. Collection method: clinical testing. Allele origin: germline. Affected: yes.
Comment: Not observed in large population cohorts (Lek et al., 2016); In silico analysis, which includes protein predictors and evolutionary conservation, supports that this variant does not alter protein structure/function; Has not been previously published as pathogenic or benign to our knowledge